The following is an entry in ClinVar:

ClinVar aggregate classification (germline): Uncertain significance (1 of 4 stars; one submission).

Conditions:
Renal cell carcinoma. Identifiers: Orphanet 217071, MedGen C0007134, MeSH D002292, MONDO:0005086, HP:0005584.

Submission:

Labcorp Genetics (formerly Invitae), Labcorp
Classification: Uncertain significance for Renal cell carcinoma. Last evaluated: 2020-06-25. Review status: criteria provided, single submitter. Criteria: Invitae Variant Classification Sherloc (09022015). Collection method: clinical testing. Allele origin: germline.
Comment: Algorithms developed to predict the effect of missense changes on protein structure and function are either unavailable or do not agree on the potential impact of this missense change (SIFT: "Deleterious"; PolyPhen-2: "Probably Damaging"; Align-GVGD: "Class C0"). This sequence change replaces leucine with proline at codon 185 of the MET protein (p.Leu185Pro). The leucine residue is highly conserved and there is a moderate physicochemical difference between leucine and proline. This variant is not present in population databases (ExAC no frequency). This variant has not been reported in the literature in individuals with MET-related conditions. In summary, the available evidence is currently insufficient to determine the role of this variant in disease. Therefore, it has been classified as a Variant of Uncertain Significance.

NM_000245.4(MET):c.554T>C (p.Leu185Pro)

Gene: MET (MET proto-oncogene, receptor tyrosine kinase; plus strand). Cytogenetic location: 7q31.2.
Variant type: single nucleotide variant.
Coding change: c.554T>C on transcript NM_000245.4 (MANE Select); coding-DNA position 554, T replaced by C.
Protein change: p.Leu185Pro; replaces leucine 185 with proline.
Molecular consequence: missense variant. On other transcripts: intron variant (1).
Genome position (GRCh38, 1-based): chr7:116,699,638, T>C. VCF-style: chr7-116699638-T-C. GRCh37 (hg19) VCF-style: chr7-116339692-T-C.
Other names: c.554T>C, p.Leu185Pro (NM_001127500.3, NM_001324401.3); c.-91+27061T>C (NM_001324402.2); short protein forms L185P.
Identifiers: ClinVar variation 1034591 (VCV001034591.8), dbSNP rs1791489495, ClinGen allele CA368969334.